The following is an entry in ClinVar:

ClinVar aggregate classification (germline): Uncertain significance. Review status: criteria provided, multiple submitters, no conflicts (2 of 4 stars). 2 submissions from 2 submitters: Uncertain significance (2). Last evaluated 2024-02-28.

Conditions:
Inborn genetic diseases. Identifiers: MedGen C0950123, MeSH D030342.
Immunodeficiency, common variable, 7. Identifiers: Orphanet 1572, Orphanet 696894, MedGen C3542922, MONDO:0013862, OMIM 614699.

Allele frequency attached by ClinVar (database versions not stated): gnomAD exomes 0.00001.

Submissions (2):

Ambry Genetics
Classification: Uncertain significance for Inborn genetic diseases. Last evaluated: 2024-02-28. Review status: criteria provided, single submitter. Criteria: Ambry Variant Classification Scheme 2023. Collection method: clinical testing. Allele origin: germline.

Labcorp Genetics (formerly Invitae), Labcorp
Classification: Uncertain significance for Immunodeficiency, common variable, 7. Last evaluated: 2022-08-09. Review status: criteria provided, single submitter. Criteria: Invitae Variant Classification Sherloc (09022015). Collection method: clinical testing. Allele origin: germline.
Comment: This sequence change replaces methionine, which is neutral and non-polar, with valine, which is neutral and non-polar, at codon 124 of the CR2 protein (p.Met124Val). This variant is present in population databases (no rsID available, gnomAD 0.003%). This variant has not been reported in the literature in individuals affected with CR2-related conditions. Algorithms developed to predict the effect of missense changes on protein structure and function (SIFT, PolyPhen-2, Align-GVGD) all suggest that this variant is likely to be tolerated. In summary, the available evidence is currently insufficient to determine the role of this variant in disease. Therefore, it has been classified as a Variant of Uncertain Significance.

NM_001006658.3(CR2):c.370A>G (p.Met124Val)

Gene: CR2 (complement C3d receptor 2; plus strand). Cytogenetic location: 1q32.2.
Variant type: single nucleotide variant.
Coding change: c.370A>G on transcript NM_001006658.3 (MANE Select); coding-DNA position 370, A replaced by G.
Protein change: p.Met124Val; replaces methionine 124 with valine.
Molecular consequence: missense variant.
Genome position (GRCh38, 1-based): chr1:207,466,837, A>G. VCF-style: chr1-207466837-A-G. GRCh37 (hg19) VCF-style: chr1-207640182-A-G.
Other names: c.370A>G, p.Met124Val (NM_001877.5); short protein forms M124V.
Identifiers: ClinVar variation 2190139 (VCV002190139.2), dbSNP rs1324136690, ClinGen allele CA344523725.